The following is an entry in ClinVar:

ClinVar aggregate classification (germline): Pathogenic (1 of 4 stars; one submission).

Conditions:
Hereditary cancer-predisposing syndrome. Also called: Neoplastic Syndromes, Hereditary; Tumor predisposition; Hereditary neoplastic syndrome; Hereditary Cancer Syndrome. Identifiers: Orphanet 140162, MedGen C0027672, MeSH D009386, MONDO:0015356.

Submission:

Ambry Genetics
Classification: Pathogenic for Hereditary cancer-predisposing syndrome. Last evaluated: 2026-08-05. Review status: criteria provided, single submitter. Criteria: Ambry Variant Classification Scheme 2023. Collection method: clinical testing. Allele origin: germline.
Comment: The c.3094_3106del13 pathogenic mutation, located in coding exon 9 of the BRCA1 gene, results from a deletion of 13 nucleotides at nucleotide positions 3094 to 3106, causing a translational frameshift with a predicted alternate stop codon (p.R1032Lfs*12). This variant is considered to be rare based on population cohorts in the Genome Aggregation Database (gnomAD). This alteration is expected to result in loss of function by premature protein truncation or nonsense-mediated mRNA decay. As such, this alteration is interpreted as a disease-causing mutation.

NM_007294.4(BRCA1):c.3094_3106del (p.Arg1032fs)

Gene: BRCA1 (BRCA1 DNA repair associated; minus strand). Cytogenetic location: 17q21.31.
Variant type: Deletion.
Coding change: c.3094_3106del on transcript NM_007294.4 (MANE Select); coding-DNA positions 3094 to 3106, 13 bases deleted (AGAGAAAATGTTT).
Protein change: p.Arg1032fs; shifts the reading frame from arginine 1032.
Molecular consequence: frameshift variant. On other transcripts: intron variant (137).
Genome position (GRCh38, 1-based): chr17:43,092,425-43,092,437, AAACATTTTCTCT deleted on the plus strand (AGAGAAAATGTTT on the coding strand, the reverse complement: BRCA1 is on the minus strand); deleting any 13 consecutive bases within chr17:43,092,425-43,092,439 gives the same sequence; the c. name uses the placement nearest the transcript's 3' end. VCF-style (leftmost placement, unchanged base first): chr17-43092424-AAAACATTTTCTCT-A. GRCh37 (hg19) VCF-style: chr17-41244441-AAAACATTTTCTCT-A.
Other names: c.2881_2893del, p.Arg961fs (NM_001407894.1, NM_001407895.1, NM_001407896.1 and 9 more transcripts); c.2884_2896del, p.Arg962fs (NM_001407900.1, NM_001407902.1, NM_001407879.1 and 13 more transcripts); c.788-1405_788-1393del (NM_001407983.1, NM_001407975.1, NM_001407971.1 and 17 more transcripts); c.791-1414_791-1402del (NM_001408406.1); c.647-1405_647-1393del (NM_001408456.1, NM_001408455.1, NM_001408466.1 and 11 more transcripts); c.644-1405_644-1393del (NM_001408465.1, NM_001408463.1, NM_001408468.1 and 3 more transcripts); c.578-1405_578-1393del (NM_001408482.1, NM_001408484.1, NM_001408492.1 and 9 more transcripts); c.521-1405_521-1393del (NM_001408504.1, NM_001408503.1, NM_001408505.1); and 42 more; short protein forms R1005fs, R965fs, R984fs, R990fs, R991fs, R1032fs, R904fs, R921fs.
Identifiers: ClinVar variation 5033199 (VCV005033199.1).
Genomic context (GRCh38, chr17:43,092,424, plus strand): 5'-GAGCCCACTTCATTAGTACTGGAACCTACTTCATTAATATTGCTTGAGCTGGCTTCTTTA[AAAACATTTTCTCT>A]AATGTTATTACGGCTAATTGTGCTCACTGTACTTGGAATGTTCTCATTTCCCATTTCTCT-3'